The following is an entry in ClinVar:

NM_016341.4(PLCE1):c.1109G>A (p.Gly370Asp)

Gene: PLCE1 (phospholipase C epsilon 1; plus strand). Cytogenetic location: 10q23.33.
Variant type: single nucleotide variant.
Coding change: c.1109G>A on transcript NM_016341.4 (MANE Select); coding-DNA position 1109, G replaced by A.
Protein change: p.Gly370Asp; replaces glycine 370 with aspartic acid.
Molecular consequence: missense variant.
Genome position (GRCh38, 1-based): chr10:94,032,155, G>A. VCF-style: chr10-94032155-G-A. GRCh37 (hg19) VCF-style: chr10-95791912-G-A.
Other names: c.1109G>A, p.Gly370Asp (NM_001288989.2); short protein forms G370D.
Identifiers: ClinVar variation 2244048 (VCV002244048.3), dbSNP rs764511730, ClinGen allele CA5612227.

ClinVar aggregate classification (germline): Uncertain significance. Review status: criteria provided, multiple submitters, no conflicts (2 of 4 stars). 2 submissions from 2 submitters: Uncertain significance (2). Last evaluated 2021-08-12.

Conditions:
Inborn genetic diseases. Identifiers: MedGen C0950123, MeSH D030342.
Nephrotic syndrome, type 3 (NPHS3). Also called: NEPHROTIC SYNDROME, EARLY-ONSET, TYPE 3. Identifiers: Orphanet 656, MedGen C1853124, MONDO:0012546, OMIM 610725.

gnomAD v4.1: 23 of 1,609,412 alleles (0.0014%); highest among the groups gnomAD compares: South Asian, 0.022%; no homozygotes.

Submissions (2):

Ambry Genetics
Classification: Uncertain significance for Inborn genetic diseases. Last evaluated: 2021-08-12. Review status: criteria provided, single submitter. Criteria: Ambry Variant Classification Scheme 2023. Collection method: clinical testing. Allele origin: germline.

Neuberg Centre For Genomic Medicine, NCGM
Classification: Uncertain significance for Nephrotic syndrome, type 3. Review status: criteria provided, single submitter. Criteria: ACMG Guidelines, 2015. Collection method: clinical testing. Allele origin: germline. Inheritance: Autosomal recessive inheritance. Affected: yes.
Comment: The missense c.1109G>A(p.Gly370Asp) variant in PLCE1 gene has not been reported previously as a pathogenic variant nor as a benign variant, to our knowledge. The p.Gly370Asp variant is reported with an allele frequency of 0.004% in the gnomAD exomes database and is novel (not in any individuals) in 1000 Genomes database. This variant has not been reported to the ClinVar database. The amino acid change p.Gly370Asp in PLCE1 is predicted as conserved by PhyloP across 100 vertebrates. The amino acid Gly at position 370 is changed to a Asp changing protein sequence and it might alter its composition and physico-chemical properties. For these reasons, this variant has been classified as Variant of Uncertain Significance (VUS).